The following is an entry in ClinVar:

ClinVar aggregate classification (germline): Benign/Likely benign. Review status: criteria provided, multiple submitters, no conflicts (2 of 4 stars). 4 submissions from 4 submitters: Benign (3); Likely benign (1). Last evaluated 2026-01-05.

Allele frequency attached by ClinVar (database versions not stated): gnomAD exomes 0.00107; ExAC 0.00132; 1000 Genomes Project 0.00339; 1000 Genomes Project 30x 0.00344; ESP Exome Variant Server 0.00413; gnomAD 0.00435 and 0.00479; TOPMed 0.00518.
gnomAD v4.1: 1,299 of 1,614,110 alleles (0.08%); highest among the groups gnomAD compares: African/African-American, 1.6%; 10 homozygotes.

Submissions (4):

Labcorp Genetics (formerly Invitae), Labcorp
Classification: Benign. Last evaluated: 2026-01-05. Review status: criteria provided, single submitter. Criteria: Invitae Variant Classification Sherloc (09022015). Collection method: clinical testing. Allele origin: germline.

Mayo Clinic Laboratories, Mayo Clinic
Classification: Benign. Last evaluated: 2025-02-25. Review status: criteria provided, single submitter. Criteria: ACMG Guidelines, 2015. Collection method: clinical testing. Allele origin: germline. Observed: 6 variant alleles.
Comment: BS1, BS2, BP4, BP7

Blueprint Genetics
Classification: Likely benign. Last evaluated: 2024-08-06. Review status: criteria provided, single submitter. Criteria: ACMG Guidelines, 2015. Collection method: clinical testing. Allele origin: germline.

GeneDx
Classification: Benign. Last evaluated: 2012-11-28. Review status: criteria provided, single submitter. Criteria: GeneDx Variant Classification (06012015). Collection method: clinical testing. Allele origin: germline. Affected: yes.
Comment: This variant is considered likely benign or benign based on one or more of the following criteria: it is a conservative change, it occurs at a poorly conserved position in the protein, it is predicted to be benign by multiple in silico algorithms, and/or has population frequency not consistent with disease.

NM_152416.4(NDUFAF6):c.852A>C (p.Ala284=)

Gene: NDUFAF6 (NADH:ubiquinone oxidoreductase complex assembly factor 6; plus strand). Cytogenetic location: 8q22.1.
Variant type: single nucleotide variant.
Coding change: c.852A>C on transcript NM_152416.4 (MANE Select); coding-DNA position 852, A replaced by C.
Protein change: p.Ala284=; no amino-acid change (alanine 284 retained).
Molecular consequence: synonymous variant. On other transcripts: non-coding transcript variant (4), intron variant (2).
Genome position (GRCh38, 1-based): chr8:95,052,209, A>C. VCF-style: chr8-95052209-A-C. GRCh37 (hg19) VCF-style: chr8-96064437-A-C.
Other names: p.A284A:GCA>GCC; p.Ala284=; c.576A>C, p.Ala192= (NM_001330582.2, NM_001354514.2, NM_001354515.2); c.696A>C, p.Ala232= (NM_001354516.2); c.519A>C, p.Ala173= (NM_001354517.2, NM_001354518.2, NM_001354519.2); c.396A>C, p.Ala132= (NM_001354522.2, NM_001354524.2, NM_001354525.2 and 7 more transcripts); c.483+3651A>C (NM_001354534.2); c.540+3651A>C (NM_001354521.2).
Identifiers: ClinVar variation 136606 (VCV000136606.13), dbSNP rs75419591, ClinGen allele CA289780.